The following is an entry in ClinVar:

ClinVar aggregate classification (germline): Uncertain significance (1 of 4 stars; one submission).

gnomAD v4.1: 1 of 1,614,164 alleles (0.000062%); highest among the groups gnomAD compares: Non-Finnish European, 0.000085%; no homozygotes.

Submission:

Labcorp Genetics (formerly Invitae), Labcorp
Classification: Uncertain significance. Last evaluated: 2022-02-22. Review status: criteria provided, single submitter. Criteria: Invitae Variant Classification Sherloc (09022015). Collection method: clinical testing. Allele origin: germline.
Comment: This sequence change replaces cysteine, which is neutral and slightly polar, with arginine, which is basic and polar, at codon 1223 of the RP1 protein (p.Cys1223Arg). This variant is not present in population databases (gnomAD no frequency). This variant has not been reported in the literature in individuals affected with RP1-related conditions. Algorithms developed to predict the effect of missense changes on protein structure and function are either unavailable or do not agree on the potential impact of this missense change (SIFT: "Tolerated"; PolyPhen-2: "Possibly Damaging"; Align-GVGD: "Class C0"). In summary, the available evidence is currently insufficient to determine the role of this variant in disease. Therefore, it has been classified as a Variant of Uncertain Significance.

NM_006269.2(RP1):c.3667T>C (p.Cys1223Arg)

Gene: RP1 (RP1 axonemal microtubule associated; plus strand). Cytogenetic location: 8q12.1.
Variant type: single nucleotide variant.
Coding change: c.3667T>C on transcript NM_006269.2 (MANE Select); coding-DNA position 3667, T replaced by C.
Protein change: p.Cys1223Arg; replaces cysteine 1223 with arginine.
Molecular consequence: missense variant. On other transcripts: intron variant (1).
Genome position (GRCh38, 1-based): chr8:54,627,549, T>C. VCF-style: chr8-54627549-T-C. GRCh37 (hg19) VCF-style: chr8-55540109-T-C.
Other names: c.787+5261T>C (NM_001375654.1); short protein forms C1223R.
Identifiers: ClinVar variation 1955833 (VCV001955833.5), dbSNP rs1057179569, ClinGen allele CA370997008.